The following is an entry in ClinVar:

NM_001184.4(ATR):c.191C>T (p.Thr64Ile)

Gene: ATR (ATR checkpoint kinase; minus strand). Cytogenetic location: 3q23.
Variant type: single nucleotide variant.
Coding change: c.191C>T on transcript NM_001184.4 (MANE Select); coding-DNA position 191, C replaced by T.
Protein change: p.Thr64Ile; replaces threonine 64 with isoleucine.
Molecular consequence: missense variant.
Genome position (GRCh38, 1-based): chr3:142,566,222, G>A on the plus strand (C>T on the coding strand, the complement: ATR is on the minus strand). VCF-style: chr3-142566222-G-A. GRCh37 (hg19) VCF-style: chr3-142285064-G-A.
Other names: c.191C>T, p.Thr64Ile (NM_001354579.2); short protein forms T64I.
Identifiers: ClinVar variation 1782637 (VCV001782637.2), dbSNP rs895335932, ClinGen allele CA354828642.

ClinVar aggregate classification (germline): Uncertain significance (1 of 4 stars; one submission).

Conditions:
Inborn genetic diseases. Identifiers: MedGen C0950123, MeSH D030342.

Submission:

Ambry Genetics
Classification: Uncertain significance for Inborn genetic diseases. Last evaluated: 2022-08-28. Review status: criteria provided, single submitter. Criteria: Ambry Variant Classification Scheme 2023. Collection method: clinical testing. Allele origin: germline.
Comment: The p.T64I variant (also known as c.191C>T), located in coding exon 3 of the ATR gene, results from a C to T substitution at nucleotide position 191. The threonine at codon 64 is replaced by isoleucine, an amino acid with similar properties. This amino acid position is conserved. In addition, this alteration is predicted to be tolerated by in silico analysis. Since supporting evidence is limited at this time, the clinical significance of this alteration remains unclear.